The following is an entry in ClinVar:

NM_004211.5(SLC6A5):c.2239-6T>C

Gene: SLC6A5 (solute carrier family 6 member 5; plus strand). Cytogenetic location: 11p15.1.
Variant type: single nucleotide variant.
Coding change: c.2239-6T>C on transcript NM_004211.5 (MANE Select); 6 bases into the intron before coding-DNA position 2239, T replaced by C.
Molecular consequence: intron variant.
Genome position (GRCh38, 1-based): chr11:20,654,707, T>C. VCF-style: chr11-20654707-T-C. GRCh37 (hg19) VCF-style: chr11-20676253-T-C.
Other names: c.1537-6T>C (NM_001318369.2).
Identifiers: ClinVar variation 304038 (VCV000304038.17), dbSNP rs2276432, ClinGen allele CA5921747.

ClinVar aggregate classification (germline): Benign/Likely benign. Review status: criteria provided, multiple submitters, no conflicts (2 of 4 stars). 5 submissions from 5 submitters: Benign (4); Likely benign (1). Last evaluated 2026-02-04.

Conditions:
Hyperekplexia 3 (HKPX3). Also called: HYPEREKPLEXIA 3, AUTOSOMAL RECESSIVE; HYPEREKPLEXIA 3, AUTOSOMAL DOMINANT. Identifiers: Orphanet 3197, MedGen C3553288, MONDO:0013827, OMIM 614618.

Allele frequency attached by ClinVar (database versions not stated): gnomAD exomes 0.15344 and 0.16700; ExAC 0.15833; 1000 Genomes Project 30x 0.15959; 1000 Genomes Project 0.15994; TOPMed 0.16262; gnomAD 0.17308 and 0.17430; ESP Exome Variant Server 0.18069.

Submissions (5):

Labcorp Genetics (formerly Invitae), Labcorp
Classification: Benign for Hyperekplexia 3. Last evaluated: 2026-02-04. Review status: criteria provided, single submitter. Criteria: Invitae Variant Classification Sherloc (09022015). Collection method: clinical testing. Allele origin: germline.

Blueprint Genetics
Classification: Likely benign. Last evaluated: 2024-11-27. Review status: criteria provided, single submitter. Criteria: ACMG Guidelines, 2015. Collection method: clinical testing. Allele origin: germline.

GeneDx
Classification: Benign. Last evaluated: 2021-05-04. Review status: criteria provided, single submitter. Criteria: GeneDx Variant Classification Process June 2021. Collection method: clinical testing. Allele origin: germline. Affected: yes.

Illumina Laboratory Services, Illumina
Classification: Benign for Hyperekplexia 3. Last evaluated: 2018-01-12. Review status: criteria provided, single submitter. Criteria: ICSL Variant Classification Criteria 13 December 2019. Collection method: clinical testing. Allele origin: germline.
Comment: This variant was observed in the ICSL laboratory as part of a predisposition screen in an ostensibly healthy population. It had not been previously curated by ICSL or reported in the Human Gene Mutation Database (HGMD: prior to June 1st, 2018), and was therefore a candidate for classification through an automated scoring system. Utilizing variant allele frequency, disease prevalence and penetrance estimates, and inheritance mode, an automated score was calculated to assess if this variant is too frequent to cause the disease. Based on the score and internal cut-off values, a variant classified as benign is not then subjected to further curation. The score for this variant resulted in a classification of benign for this disease.

Breakthrough Genomics
Classification: Benign. Review status: criteria provided, single submitter. Criteria: ACMG Guidelines, 2015. Collection method: not provided. Allele origin: germline. Inheritance: Autosomal dominant inheritance. Affected: yes.